The following is an entry in ClinVar:

NM_003001.5(SDHC):c.422_423insT (p.Lys141fs)

Gene: SDHC (succinate dehydrogenase complex subunit C; plus strand). Cytogenetic location: 1q23.3.
Variant type: Insertion.
Coding change: c.422_423insT on transcript NM_003001.5 (MANE Select); coding-DNA positions 422 to 423, T inserted.
Protein change: p.Lys141fs; shifts the reading frame from lysine 141.
Molecular consequence: frameshift variant. On other transcripts: nonsense (3).
Genome position: GRCh38 VCF-style: chr1-161362345-A-AT. GRCh37 (hg19) VCF-style: chr1-161332135-A-AT.
Other names: c.258_259insT, p.Arg87Terfs (NM_001035511.3); c.320_321insT, p.Lys107Asnfs (NM_001035512.3); c.263_264insT, p.Lys88Asnfs (NM_001035513.3); c.156_157insT, p.Arg53Terfs (NM_001278172.3); c.542_543insT, p.Lys181Asnfs (NM_001407115.1); c.365_366insT, p.Lys122Asnfs (NM_001407116.1); c.359_360insT, p.Lys120Asnfs (NM_001407117.1); c.314_315insT, p.Lys105Asnfs (NM_001407118.1); and 2 more; short protein forms K107fs, R87*, R53*, K88fs, K141fs.
Identifiers: ClinVar variation 844567 (VCV000844567.10), dbSNP rs1672548902, ClinGen allele CA421501140.

ClinVar aggregate classification (germline): Conflicting classifications of pathogenicity. Review status: criteria provided, conflicting classifications (1 of 4 stars). 3 submissions from 3 submitters: Likely pathogenic (2); Uncertain significance (1). Last evaluated 2025-10-20.

Conditions:
Hereditary cancer-predisposing syndrome. Also called: Neoplastic Syndromes, Hereditary; Tumor predisposition; Hereditary Cancer Syndrome; Hereditary neoplastic syndrome. Identifiers: Orphanet 140162, MedGen C0027672, MeSH D009386, MONDO:0015356.
Pheochromocytoma/paraganglioma syndrome 3. Also called: GLOMUS TUMORS, FAMILIAL, 3; Paragangliomas 3; SDHC-Related Hereditary Paraganglioma-Pheochromocytoma Syndrome (Paragangliomas 3); SDHC-Related Hereditary Paraganglioma-Pheochromocytoma Syndrome. Identifiers: Orphanet 29072, MedGen C1854336, MONDO:0011544, OMIM 605373.
Gastrointestinal stromal tumor. Also called: Gastrointestinal stromal tumor, somatic; Gastrointestinal stroma tumor. Identifiers: Orphanet 44890, MedGen C0238198, MeSH D046152, MONDO:0011719, OMIM 606764, HP:0100723.

Submissions (3):

Ambry Genetics
Classification: Likely pathogenic for Hereditary cancer-predisposing syndrome. Last evaluated: 2025-10-20. Review status: criteria provided, single submitter. Criteria: Ambry Variant Classification Scheme 2023. Collection method: clinical testing. Allele origin: germline.
Comment: The c.422_423insT variant, located in coding exon 6 of the SDHC gene, results from an insertion of one nucleotide at position 422, causing a translational frameshift with a predicted alternate stop codon (p.K141Nfs*66). This alteration occurs at the 3' terminus of theSDHC gene, is not expected to trigger nonsense-mediated mRNAdecay and results in the elongation of the protein by 36 amino acids. This frameshift impacts the last 29amino acids of the native protein. However, frameshifts are typically deleterious in nature, the impacted region is critical for protein function and a significant portion of the protein is affected (Ambry internal data). Based on the majority of available evidence to date, this variant is likely to be pathogenic.

Labcorp Genetics (formerly Invitae), Labcorp
Classification: Uncertain significance for Pheochromocytoma/paraganglioma syndrome 3; Gastrointestinal stromal tumor. Last evaluated: 2025-05-23. Review status: criteria provided, single submitter. Criteria: Invitae Variant Classification Sherloc (09022015). Collection method: clinical testing. Allele origin: germline.
Comment: This sequence change is expected to alter the c-terminus of the SDHC protein (p.Lys141Asnfs*66). While this is not anticipated to result in nonsense mediated decay, it is expected to disrupt the last 29 amino acid(s) of the SDHC protein and extend the protein by 36 additional amino acid residues. This variant is not present in population databases (gnomAD no frequency). This variant has not been reported in the literature in individuals affected with SDHC-related conditions. ClinVar contains an entry for this variant (Variation ID: 844567). Experimental studies and prediction algorithms are not available or were not evaluated, and the functional significance of this variant is currently unknown. Algorithms developed to predict the effect of sequence changes on RNA splicing suggest that this variant may disrupt the consensus splice site. This variant disrupts a region of the SDHC protein in which other variant(s) (p.Leu158Pro) have been observed in individuals with SDHC-related conditions (PMID: 12807974). This suggests that this is a clinically significant region of the protein, and that variants that disrupt it are likely to be disease-causing. In summary, the available evidence is currently insufficient to determine the role of this variant in disease. Therefore, it has been classified as a Variant of Uncertain Significance.

Myriad Genetics, Inc.
Classification: Likely pathogenic for Pheochromocytoma/paraganglioma syndrome 3. Last evaluated: 2023-09-29. Review status: criteria provided, single submitter. Criteria: Myriad Autosomal Dominant, Autosomal Recessive and X-Linked Classification Criteria (2023). Collection method: clinical testing. Allele origin: unknown.
Comment: This variant is considered likely pathogenic. This variant creates a frameshift predicted to result in the incorporation of abnormal amino acid sequence into the protein product and abnormal protein elongation.

Literature cited by the submitters: PubMed 12807974 (cited by Labcorp Genetics (formerly Invitae), Labcorp).